The following is an entry in ClinVar:

NM_001904.4(CTNNB1):c.420T>C (p.Ile140=)

Genes: CTNNB1 (catenin beta 1; plus strand), LOC126806658 (BRD4-independent group 4 enhancer GRCh37_chr3:41265899-41267098; plus strand). Cytogenetic location: 3p22.1.
Variant type: single nucleotide variant.
Coding change: c.420T>C on transcript NM_001904.4 (MANE Select); coding-DNA position 420, T replaced by C.
Protein change: p.Ile140=; no amino-acid change (isoleucine 140 retained).
Molecular consequence: synonymous variant.
Genome position (GRCh38, 1-based): chr3:41,225,132, T>C. VCF-style: chr3-41225132-T-C. GRCh37 (hg19) VCF-style: chr3-41266623-T-C.
Other names: c.420T>C, p.Ile140= (NM_001098209.2, NM_001098210.2); c.399T>C, p.Ile133= (NM_001330729.2).
Identifiers: ClinVar variation 709750 (VCV000709750.39), dbSNP rs3856746, ClinGen allele CA2330908.
Genomic context (GRCh38, chr3:41,225,132, plus strand): 5'-TAATGTCCAGCGTTTGGCTGAACCATCACAGATGCTGAAACATGCAGTTGTAAACTTGAT[T>C]AACTATCAAGATGATGCAGAACTTGCCACACGTGCAATCCCTGAACTGACAAAACTGCTA-3'
Protein context (NP_001895.1, residues 130-150): QMLKHAVVNL[Ile140=]NYQDDAELAT

ClinVar aggregate classification (germline): Benign. Review status: criteria provided, multiple submitters, no conflicts (2 of 4 stars). 4 submissions from 4 submitters: Benign (4). Last evaluated 2026-10-01.

Allele frequency attached by ClinVar (database versions not stated): gnomAD exomes 0.00155; ExAC 0.00175; gnomAD 0.00415 and 0.00438; TOPMed 0.00496; 1000 Genomes Project 30x 0.00500; 1000 Genomes Project 0.00519; ESP Exome Variant Server 0.00538.
gnomAD v4.1: 1,495 of 1,614,046 alleles (0.093%); highest among the groups gnomAD compares: African/African-American, 1.5%; 17 homozygotes.

Submissions (4):

CeGaT Center for Human Genetics Tuebingen
Classification: Benign. Last evaluated: 2026-10-01. Review status: criteria provided, single submitter. Criteria: CeGaT Center For Human Genetics Tuebingen Variant Classification Criteria Version 2. Collection method: clinical testing. Allele origin: germline. Affected: yes. Observed: 8 variant alleles.
Comment: CTNNB1: BP4, BP7, BS1, BS2

Labcorp Genetics (formerly Invitae), Labcorp
Classification: Benign. Last evaluated: 2026-01-28. Review status: criteria provided, single submitter. Criteria: Invitae Variant Classification Sherloc (09022015). Collection method: clinical testing. Allele origin: germline.

GeneDx
Classification: Benign. Last evaluated: 2019-08-16. Review status: criteria provided, single submitter. Criteria: GeneDx Variant Classification Process June 2021. Collection method: clinical testing. Allele origin: germline. Affected: yes.

Breakthrough Genomics
Classification: Benign. Review status: criteria provided, single submitter. Criteria: ACMG Guidelines, 2015. Collection method: not provided. Allele origin: germline. Inheritance: Autosomal dominant inheritance. Affected: yes.